The following is an entry in ClinVar:

NM_001292063.2(OTOG):c.3973C>T (p.Arg1325Cys)

Gene: OTOG (otogelin; plus strand). Cytogenetic location: 11p15.1.
Variant type: single nucleotide variant.
Coding change: c.3973C>T on transcript NM_001292063.2 (MANE Select); coding-DNA position 3973, C replaced by T.
Protein change: p.Arg1325Cys; replaces arginine 1325 with cysteine.
Molecular consequence: missense variant.
Genome position (GRCh38, 1-based): chr11:17,605,952, C>T. VCF-style: chr11-17605952-C-T. GRCh37 (hg19) VCF-style: chr11-17627499-C-T.
Other names: c.4009C>T, p.Arg1337Cys (NM_001277269.2); short protein forms R1337C, R1325C.
Identifiers: ClinVar variation 450620 (VCV000450620.17), dbSNP rs557335789, ClinGen allele CA5905793.

ClinVar aggregate classification (germline): Benign. Review status: criteria provided, multiple submitters, no conflicts (2 of 4 stars). 3 submissions from 3 submitters: Benign (3). Last evaluated 2026-01-01.

Allele frequency attached by ClinVar (database versions not stated): gnomAD 0.00009 and 0.00058; TOPMed 0.00014; gnomAD exomes 0.00230; 1000 Genomes Project 30x 0.00468; 1000 Genomes Project 0.00579; ExAC 0.00656.
gnomAD v4.1: 1,304 of 1,550,608 alleles (0.084%); highest among the groups gnomAD compares: South Asian, 1.4%; 14 homozygotes.

Submissions (3):

CeGaT Center for Human Genetics Tuebingen
Classification: Benign. Last evaluated: 2026-01-01. Review status: criteria provided, single submitter. Criteria: CeGaT Center For Human Genetics Tuebingen Variant Classification Criteria Version 2. Collection method: clinical testing. Allele origin: germline. Affected: yes. Observed: 2 variant alleles.
Comment: OTOG: BP4, BS1, BS2

Labcorp Genetics (formerly Invitae), Labcorp
Classification: Benign. Last evaluated: 2025-10-01. Review status: criteria provided, single submitter. Criteria: Invitae Variant Classification Sherloc (09022015). Collection method: clinical testing. Allele origin: germline.

GeneDx
Classification: Benign. Last evaluated: 2019-03-26. Review status: criteria provided, single submitter. Criteria: GeneDx Variant Classification Process June 2021. Collection method: clinical testing. Allele origin: germline. Affected: yes.